The following is an entry in ClinVar:

NM_003383.5(VLDLR):c.1240A>T (p.Lys414Ter)

Gene: VLDLR (very low density lipoprotein receptor; plus strand). Cytogenetic location: 9p24.2.
Variant type: single nucleotide variant.
Coding change: c.1240A>T on transcript NM_003383.5 (MANE Select); coding-DNA position 1240, A replaced by T.
Protein change: p.Lys414Ter; replaces lysine 414 with a stop codon.
Molecular consequence: nonsense.
Genome position (GRCh38, 1-based): chr9:2,645,010, A>T. VCF-style: chr9-2645010-A-T. GRCh37 (hg19) VCF-style: chr9-2645010-A-T.
Other names: c.1240A>T, p.Lys414Ter (NM_001018056.3); c.1117A>T, p.Lys373Ter (NM_001322225.2, NM_001322226.2); short protein forms K414*, K373*.
Identifiers: ClinVar variation 2706526 (VCV002706526.3), dbSNP rs2488728992, ClinGen allele CA372793902.

ClinVar aggregate classification (germline): Pathogenic (1 of 4 stars; one submission).

Submission:

Labcorp Genetics (formerly Invitae), Labcorp
Classification: Pathogenic. Last evaluated: 2023-12-30. Review status: criteria provided, single submitter. Criteria: Invitae Variant Classification Sherloc (09022015). Collection method: clinical testing. Allele origin: germline.
Comment: This sequence change creates a premature translational stop signal (p.Lys414*) in the VLDLR gene. It is expected to result in an absent or disrupted protein product. Loss-of-function variants in VLDLR are known to be pathogenic (PMID: 18043714, 18326629, 22532556). This variant is not present in population databases (gnomAD no frequency). This variant has not been reported in the literature in individuals affected with VLDLR-related conditions. Algorithms developed to predict the effect of sequence changes on RNA splicing suggest that this variant may disrupt the consensus splice site. For these reasons, this variant has been classified as Pathogenic.

Literature cited by the submitters: PubMed 18043714; PubMed 18326629; PubMed 22532556.